The following is an entry in ClinVar:

NM_017777.4(MKS1):c.813C>T (p.His271=)

Gene: MKS1 (MKS transition zone complex subunit 1; minus strand). Cytogenetic location: 17q22.
Variant type: single nucleotide variant.
Coding change: c.813C>T on transcript NM_017777.4 (MANE Select); coding-DNA position 813, C replaced by T.
Protein change: p.His271=; no amino-acid change (histidine 271 retained).
Molecular consequence: synonymous variant.
Genome position (GRCh38, 1-based): chr17:58,213,027, G>A on the plus strand (C>T on the coding strand, the complement: MKS1 is on the minus strand). VCF-style: chr17-58213027-G-A. GRCh37 (hg19) VCF-style: chr17-56290388-G-A.
Other names: c.204C>T, p.His68= (NM_001321268.2); c.813C>T, p.His271= (NM_001321269.2, NM_001330397.2).
Identifiers: ClinVar variation 324162 (VCV000324162.22), dbSNP rs201961765, ClinGen allele CA8669402.
Genomic context (GRCh38, chr17:58,213,027, plus strand): 5'-TGAACTTGCGCTTACATCCTTGAACACTCGCCGTTCCCGCTCCTCCTCCTCCGGCTGTGC[G>A]TGGGGGGAAACATTGTCGATCGTATATTTCCACAGCTCCTGCTTCTCCCCCTCCGTCTCA-3'
Protein context (NP_060247.2, residues 261-281): WKYTIDNVSP[His271=]AQPEEEERER

ClinVar aggregate classification (germline): Conflicting classifications of pathogenicity. Review status: criteria provided, conflicting classifications (1 of 4 stars). 6 submissions from 5 submitters: Uncertain significance (3); Likely benign (2). 1 of the submissions does not count toward it. Last evaluated 2025-10-18.

Conditions:
MKS1-related disorder. Also called: MKS1-related disorders; MKS1-related condition. Identifiers: MedGen CN239382.
Bardet-Biedl syndrome 13 (BBS13). Identifiers: Orphanet 110, MedGen C2673873, MONDO:0014441, OMIM 615990.
Joubert syndrome. Also called: JOUBERT-BOLTSHAUSER SYNDROME; Familial aplasia of the vermis. Identifiers: Orphanet 475, MedGen C5979921, MONDO:0018772.
Meckel-Gruber syndrome. Also called: DYSENCEPHALIA SPLANCHNOCYSTICA; GRUBER SYNDROME; Dysencephalia splachnocystica. Identifiers: Orphanet 564, MedGen C0265215, MONDO:0018921.
Meckel syndrome, type 1 (MKS1). Also called: MECKEL-GRUBER SYNDROME, TYPE 1. Identifiers: Orphanet 564, MedGen C3714506, MONDO:0009571, OMIM 249000.

Allele frequency attached by ClinVar (database versions not stated): gnomAD 0.00003; ESP Exome Variant Server 0.00008; TOPMed 0.00012; 1000 Genomes Project 30x 0.00031.

Submissions (6):

Labcorp Genetics (formerly Invitae), Labcorp
Classification: Likely benign for Joubert syndrome; Meckel-Gruber syndrome. Last evaluated: 2025-10-18. Review status: criteria provided, single submitter. Criteria: Invitae Variant Classification Sherloc (09022015). Collection method: clinical testing. Allele origin: germline.

Blueprint Genetics
Classification: Likely benign. Last evaluated: 2024-03-01. Review status: criteria provided, single submitter. Criteria: ACMG Guidelines, 2015. Collection method: clinical testing. Allele origin: germline.

Illumina Laboratory Services, Illumina
Classification: Uncertain significance for Meckel syndrome, type 1. Last evaluated: 2018-01-13. Review status: criteria provided, single submitter. Criteria: ICSL Variant Classification Criteria 13 December 2019. Collection method: clinical testing. Allele origin: germline.

Illumina Laboratory Services, Illumina
Classification: Uncertain significance for Bardet-Biedl syndrome 13. Last evaluated: 2018-01-13. Review status: criteria provided, single submitter. Criteria: ICSL Variant Classification Criteria 13 December 2019. Collection method: clinical testing. Allele origin: germline.

Eurofins Ntd Llc (ga)
Classification: Uncertain significance. Last evaluated: 2017-05-03. Review status: criteria provided, single submitter. Criteria: EGL Classification Definitions 2015. Collection method: clinical testing. Allele origin: germline. Observed: 3 variant alleles, 3 heterozygotes.

PreventionGenetics, part of Exact Sciences
Classification: Likely benign for MKS1-related condition. Last evaluated: 2023-08-02. Review status: no assertion criteria provided. Collection method: clinical testing. Allele origin: germline. Not counted in ClinVar's aggregate classification.
Comment: This variant is classified as likely benign based on ACMG/AMP sequence variant interpretation guidelines (Richards et al. 2015 PMID: 25741868, with internal and published modifications).